The following is an entry in ClinVar:

ClinVar aggregate classification (germline): Uncertain significance. Review status: criteria provided, multiple submitters, no conflicts (2 of 4 stars). 4 submissions from 4 submitters: Uncertain significance (4). Last evaluated 2025-03-17.

Conditions:
TTN-related disorder. Also called: TTN-related condition; TTN-related disease; TTN-related disorders.

Allele frequency attached by ClinVar (database versions not stated): gnomAD exomes 0.00001; gnomAD 0.00002; ExAC 0.00003; 1000 Genomes Project 0.00020; 1000 Genomes Project 30x 0.00031.
gnomAD v4.1: 17 of 1,611,236 alleles (0.0011%); highest among the groups gnomAD compares: African/African-American, 0.004%; no homozygotes.

Submissions (4):

PreventionGenetics, part of Exact Sciences
Classification: Uncertain significance for TTN-related condition. Last evaluated: 2025-03-17. Review status: criteria provided, single submitter. Criteria: ACMG Guidelines, 2015. Collection method: clinical testing. Allele origin: germline.
Comment: The TTN c.26179G>A variant is predicted to result in the amino acid substitution p.Val8727Ile. To our knowledge, this variant has not been reported in the literature in individuals with TTN-related disorders. This variant is reported in 0.0051% of alleles in individuals of East Asian descent in gnomAD. At this time, the clinical significance of this variant is uncertain due to the absence of conclusive functional and genetic evidence.

Revvity Omics, Revvity
Classification: Uncertain significance. Last evaluated: 2022-08-11. Review status: criteria provided, single submitter. Criteria: ACMG Guidelines, 2015. Collection method: clinical testing. Allele origin: germline.

Women's Health and Genetics/Laboratory Corporation of America, LabCorp
Classification: Uncertain significance. Last evaluated: 2021-06-14. Review status: criteria provided, single submitter. Criteria: LabCorp Variant Classification Summary - May 2015. Collection method: clinical testing. Allele origin: germline.
Comment: Variant summary: TTN c.22447G>A (p.Val7483Ile) results in a conservative amino acid change located in the I-band region of the encoded protein sequence. Five of five in-silico tools predict a benign effect of the variant on protein function. The variant allele was found at a frequency of 1.1e-05 in 277732 control chromosomes (gnomAD). The available data on variant occurrences in the general population are insufficient to allow any conclusion about variant significance. To our knowledge, no occurrence of c.22447G>A in individuals affected with Dilated Cardiomyopathy and no experimental evidence demonstrating its impact on protein function have been reported. No clinical diagnostic laboratories have submitted clinical-significance assessments for this variant to ClinVar after 2014. Based on the evidence outlined above, the variant was classified as uncertain significance.

GeneDx
Classification: Uncertain significance. Last evaluated: 2020-03-16. Review status: criteria provided, single submitter. Criteria: GeneDx Variant Classification Process June 2021. Collection method: clinical testing. Allele origin: germline. Affected: yes.
Comment: Not observed at a significant frequency in large population cohorts (Lek et al., 2016); Missense variant in a gene in which most reported pathogenic variants are truncating/loss-of-function; Has not been previously published as pathogenic or benign to our knowledge

NM_001267550.2(TTN):c.26179G>A (p.Val8727Ile)

Gene: TTN (titin; minus strand). Cytogenetic location: 2q31.2.
Variant type: single nucleotide variant.
Coding change: c.26179G>A on transcript NM_001267550.2 (MANE Select); coding-DNA position 26179, G replaced by A.
Protein change: p.Val8727Ile; replaces valine 8727 with isoleucine.
Molecular consequence: missense variant. On other transcripts: intron variant (3).
Genome position (GRCh38, 1-based): chr2:178,715,007, C>T on the plus strand (G>A on the coding strand, the complement: TTN is on the minus strand). VCF-style: chr2-178715007-C-T. GRCh37 (hg19) VCF-style: chr2-179579734-C-T.
Other names: p.V8410I:GTT>ATT; c.25228G>A, p.Val8410Ile (NM_001256850.1); c.22447G>A, p.Val7483Ile (NM_133378.4); c.13282+23075G>A (NM_003319.4); c.13858+23075G>A (NM_133437.4); c.13657+23075G>A (NM_133432.3); short protein forms V8410I, V8727I, V7483I.
Identifiers: ClinVar variation 203344 (VCV000203344.7), dbSNP rs544958705, ClinGen allele CA312100.